The following is an entry in ClinVar:

NM_001201543.2(FAM161A):c.1006G>A (p.Ala336Thr)

Gene: FAM161A (FAM161 centrosomal protein A; minus strand). Cytogenetic location: 2p15.
Variant type: single nucleotide variant.
Coding change: c.1006G>A on transcript NM_001201543.2 (MANE Select); coding-DNA position 1006, G replaced by A.
Protein change: p.Ala336Thr; replaces alanine 336 with threonine.
Molecular consequence: missense variant. On other transcripts: non-coding transcript variant (1).
Genome position (GRCh38, 1-based): chr2:61,839,998, C>T on the plus strand (G>A on the coding strand, the complement: FAM161A is on the minus strand). VCF-style: chr2-61839998-C-T. GRCh37 (hg19) VCF-style: chr2-62067133-C-T.
Other names: c.1006G>A, p.Ala336Thr (NM_032180.3); c.1006G>A (NM_001201543.1); short protein forms A336T.
Identifiers: ClinVar variation 2145905 (VCV002145905.4), dbSNP rs754095620, ClinGen allele CA1679233.
Genomic context (GRCh38, chr2:61,839,998, plus strand): 5'-TAAATCGATTTGTTTTCTTTTTATACTTAAGAAAGTCTCTCAGCTGCTTTTCCCGGGCTG[C>T]TCGCTTCTGTTCCTCCCTTGCTATAAATTTAAATGGCTTTTGTGAGGCCAAAAGAGCTTC-3'
Protein context (NP_001188472.1, residues 326-346): KFIAREEQKR[Ala336Thr]AREKQLRDFL

ClinVar aggregate classification (germline): Uncertain significance. Review status: criteria provided, multiple submitters, no conflicts (2 of 4 stars). 4 submissions from 4 submitters: Uncertain significance (4). Last evaluated 2024-12-13.

Conditions:
FAM161A-related disorder. Also called: FAM161A-related condition.
Inborn genetic diseases. Identifiers: MedGen C0950123, MeSH D030342.

Allele frequency attached by ClinVar (database versions not stated): gnomAD 0.00001; gnomAD exomes 0.00001; TOPMed 0.00001; ExAC 0.00002.
gnomAD v4.1: 13 of 1,614,072 alleles (0.00081%); highest among the groups gnomAD compares: Admixed American, 0.017%; no homozygotes.

Submissions (4):

PreventionGenetics, part of Exact Sciences
Classification: Uncertain significance for FAM161A-related condition. Last evaluated: 2024-12-13. Review status: criteria provided, single submitter. Criteria: ACMG Guidelines, 2015. Collection method: clinical testing. Allele origin: germline.
Comment: The FAM161A c.1006G>A variant is predicted to result in the amino acid substitution p.Ala336Thr. To our knowledge, this variant has not been reported in the literature. This variant is present in 0.0087% of alleles in individuals of Latino descent in gnomAD. At this time, the clinical significance of this variant is uncertain due to the absence of conclusive functional and genetic evidence.

Ambry Genetics
Classification: Uncertain significance for Inborn genetic diseases. Last evaluated: 2022-08-26. Review status: criteria provided, single submitter. Criteria: Ambry Variant Classification Scheme 2023. Collection method: clinical testing. Allele origin: germline.

Labcorp Genetics (formerly Invitae), Labcorp
Classification: Uncertain significance. Last evaluated: 2022-08-10. Review status: criteria provided, single submitter. Criteria: Invitae Variant Classification Sherloc (09022015). Collection method: clinical testing. Allele origin: germline.
Comment: This sequence change replaces alanine, which is neutral and non-polar, with threonine, which is neutral and polar, at codon 336 of the FAM161A protein (p.Ala336Thr). This variant is present in population databases (rs754095620, gnomAD 0.009%). This variant has not been reported in the literature in individuals affected with FAM161A-related conditions. Algorithms developed to predict the effect of missense changes on protein structure and function are either unavailable or do not agree on the potential impact of this missense change (SIFT: "Tolerated"; PolyPhen-2: "Probably Damaging"; Align-GVGD: "Class C0"). In summary, the available evidence is currently insufficient to determine the role of this variant in disease. Therefore, it has been classified as a Variant of Uncertain Significance.

Blueprint Genetics
Classification: Uncertain significance. Last evaluated: 2021-04-29. Review status: criteria provided, single submitter. Criteria: ACMG Guidelines, 2015. Collection method: clinical testing. Allele origin: germline.